The following is an entry in ClinVar:

NM_001429.4(EP300):c.60T>G (p.Ser20=)

Genes: EP300 (EP300 lysine acetyltransferase; plus strand), LOC130067530 (ATAC-STARR-seq lymphoblastoid active region 19106; plus strand). Cytogenetic location: 22q13.2.
Variant type: single nucleotide variant.
Coding change: c.60T>G on transcript NM_001429.4 (MANE Select); coding-DNA position 60, T replaced by G.
Protein change: p.Ser20=; no amino-acid change (serine 20 retained).
Molecular consequence: synonymous variant.
Genome position (GRCh38, 1-based): chr22:41,093,064, T>G. VCF-style: chr22-41093064-T-G. GRCh37 (hg19) VCF-style: chr22-41489068-T-G.
Other names: c.60T>G, p.Ser20= (NM_001362843.2).
Identifiers: ClinVar variation 4981998 (VCV004981998.1).

ClinVar aggregate classification (germline): Likely benign (1 of 4 stars; one submission).

Conditions:
EP300-related disorder. Also called: EP300-related condition; EP300-related disorders.

Submission:

PreventionGenetics, part of Exact Sciences
Classification: Likely benign for EP300-related condition. Last evaluated: 2025-11-02. Review status: criteria provided, single submitter. Criteria: ACMG Guidelines, 2015. Collection method: clinical testing. Allele origin: germline.
Comment: This variant is classified as likely benign based on ACMG/AMP sequence variant interpretation guidelines (Richards et al. 2015 PMID: 25741868, with internal and published modifications).